The following is an entry in ClinVar:

NM_152641.4(ARID2):c.1588G>T (p.Ala530Ser)

Gene: ARID2 (AT-rich interaction domain 2; plus strand). Cytogenetic location: 12q12.
Variant type: single nucleotide variant.
Coding change: c.1588G>T on transcript NM_152641.4 (MANE Select); coding-DNA position 1588, G replaced by T.
Protein change: p.Ala530Ser; replaces alanine 530 with serine.
Molecular consequence: missense variant.
Genome position (GRCh38, 1-based): chr12:45,848,843, G>T. VCF-style: chr12-45848843-G-T. GRCh37 (hg19) VCF-style: chr12-46242626-G-T.
Other names: p.Ala530Ser; c.1588G>T, p.Ala530Ser (NM_001347839.2); short protein forms A530S.
Identifiers: ClinVar variation 2430284 (VCV002430284.2), dbSNP rs1485251463, ClinGen allele CA384464995.
Genomic context (GRCh38, chr12:45,848,843, plus strand): 5'-TATGGAGTTTCCTAGAGTATATTGTATAATGCTTAATTTTTCTCCTCTTTTAGGCTAAAT[G>T]CTCATTTTGAAGTAAATCCAGATTGTTCTGTTTCTCGAGCAGAAATGTATTCTGAATACC-3'
Protein context (NP_689854.2, residues 520-540): SEKFACQWLN[Ala530Ser]HFEVNPDCSV

ClinVar aggregate classification (germline): Uncertain significance (1 of 4 stars; one submission).

Conditions:
Coffin-Siris syndrome 6. Identifiers: MedGen C4540499, MONDO:0033492, OMIM 617808.

Submission:

Foundation for Research in Genetics and Endocrinology, FRIGE's Institute of Human Genetics
Classification: Uncertain significance for Coffin-Siris syndrome 6. Last evaluated: 2023-02-23. Review status: criteria provided, single submitter. Criteria: ACMG Guidelines, 2015. Collection method: clinical testing. Allele origin: germline. Inheritance: Autosomal dominant inheritance. Affected: yes. Observed: 1 heterozygote.
Comment: A heterozygous missense variation in exon 13 of the ARID2 gene that results in the amino acid substitution of Serine for Alanine at codon 530 (p.Ala530Ser) was detected. The observed variation has not been reported in the 1000 genomes, gnomAD. The in silico predictions of the variant are probably damaging by PolyPhen-2 (HumDiv), damaging by LRT, and MutationTaster2. The reference codon is conserved across species. In summary, the variant meets our criteria to be classified as a variant of uncertain significance.